The following is an entry in ClinVar:

ClinVar aggregate classification (germline): Uncertain significance (1 of 4 stars; one submission).

Submission:

Labcorp Genetics (formerly Invitae), Labcorp
Classification: Uncertain significance. Last evaluated: 2025-06-29. Review status: criteria provided, single submitter. Criteria: Invitae Variant Classification Sherloc (09022015). Collection method: clinical testing. Allele origin: germline.
Comment: This sequence change replaces arginine, which is basic and polar, with threonine, which is neutral and polar, at codon 388 of the LZTR1 protein (p.Arg388Thr). This variant is not present in population databases (gnomAD no frequency). This variant has not been reported in the literature in individuals affected with LZTR1-related conditions. Invitae Evidence Modeling of protein sequence and biophysical properties (such as structural, functional, and spatial information, amino acid conservation, physicochemical variation, residue mobility, and thermodynamic stability) indicates that this missense variant is not expected to disrupt LZTR1 protein function with a negative predictive value of 80%. In summary, the available evidence is currently insufficient to determine the role of this variant in disease. Therefore, it has been classified as a Variant of Uncertain Significance.

NM_006767.4(LZTR1):c.1163G>C (p.Arg388Thr)

Gene: LZTR1 (leucine zipper like post translational regulator 1; plus strand). Cytogenetic location: 22q11.21.
Variant type: single nucleotide variant.
Coding change: c.1163G>C on transcript NM_006767.4 (MANE Select); coding-DNA position 1163, G replaced by C.
Protein change: p.Arg388Thr; replaces arginine 388 with threonine.
Molecular consequence: missense variant.
Genome position (GRCh38, 1-based): chr22:20,992,807, G>C. VCF-style: chr22-20992807-G-C. GRCh37 (hg19) VCF-style: chr22-21347096-G-C.
Other names: short protein forms R388T.
Identifiers: ClinVar variation 4739929 (VCV004739929.1).
Genomic context (GRCh38, chr22:20,992,807, plus strand): 5'-GGAGGCTCTGCTCCCCCACCATTCCACCCTGCCTTCTTGTCCCCCAGCTGCCCAGTGGGA[G>C]GCTCTTCCACGCGGCTGCTGTCATCTCGGACGCCATGTACATCTTCGGGGGCACGGTGGA-3'
Protein context (NP_006758.2, residues 378-398): TQPASELPSG[Arg388Thr]LFHAAAVISD